The following is an entry in ClinVar:

ClinVar aggregate classification (somatic clinical impact): Tier I - Strong (1 of 4 stars; one submission).

Conditions:
Meningioma. Also called: Meningioma, somatic. Identifiers: Orphanet 2495, MedGen C0025286, MONDO:0016642, HP:0002858.

Submission:

Institute for Genomic Medicine (IGM) Clinical Laboratory, Nationwide Children's Hospital
Classification: Tier I - Strong for Meningioma. Assertion type: diagnostic. Clinical significance: supports diagnosis. Last evaluated: 2025-10-14. Review status: criteria provided, single submitter. Criteria: AMP/ASCO/CAP Guidelines, 2017. Collection method: clinical testing. Allele origin: somatic. Affected: yes.
Comment: Variant has Tier I (strong) clinical significance as a diagnostic inclusion criterion in meningioma, based on the following evidence: 1) Documented in one or more cancer databases (e.g., St. Jude Pecan, COSMIC, CIViC, OncoKB). 2) Appears in one or more well-established professional guidelines (e.g., World Health Organization [WHO]; National Comprehensive Cancer Network [NCCN]) as providing diagnostic, prognostic, or therapeutic information. 3) Diagnostic for a specific tumor type/classification according to professional guidelines (Evidence Level A; PMIDs: 20682713, 12000789, 31652973, 8162072, 32716568, 23334667, 33087175).

Literature cited by the submitters: PubMed 20682713; PubMed 12000789; PubMed 31652973; PubMed 8162072; PubMed 32716568; PubMed 23334667; PubMed 33087175.

NM_000268.4(NF2):c.334G>T (p.Glu112Ter)

Gene: NF2 (NF2, moesin-ezrin-radixin like (MERLIN) tumor suppressor; plus strand). Cytogenetic location: 22q12.2.
Variant type: single nucleotide variant.
Coding change: c.334G>T on transcript NM_000268.4 (MANE Select); coding-DNA position 334, G replaced by T.
Protein change: p.Glu112Ter; replaces glutamic acid 112 with a stop codon.
Molecular consequence: nonsense. On other transcripts: 5 prime UTR variant (1), intron variant (8).
Genome position (GRCh38, 1-based): chr22:29,639,183, G>T. VCF-style: chr22-29639183-G-T. GRCh37 (hg19) VCF-style: chr22-30035172-G-T.
Other names: c.220G>T, p.Glu74Ter (NM_001407053.1, NM_001407056.1); c.208G>T, p.Glu70Ter (NM_001407055.1, NM_181828.3); c.334G>T, p.Glu112Ter (NM_001407057.1, NM_001407059.1, NM_001407060.1 and 5 more transcripts); c.-307G>T (NM_001407065.1); c.103G>T, p.Glu35Ter (NM_001407067.1); c.240+2307G>T (NM_001407058.1, NM_181829.3, NM_001407054.1 and 1 more transcripts); c.115-3019G>T (NM_001407063.1, NM_181830.3, NM_001407064.1 and 1 more transcripts); short protein forms E112*, E35*, E70*, E74*.
Identifiers: ClinVar variation 4530430 (VCV004530430.1).